The following is an entry in ClinVar:

ClinVar aggregate classification (germline): Uncertain significance (1 of 4 stars; one submission).

Conditions:
Cryopyrin associated periodic syndrome (CAPS). Identifiers: Orphanet 208650, MedGen C2316212, MONDO:0016168.

gnomAD v4.1: 11 of 1,610,306 alleles (0.00068%); highest among the groups gnomAD compares: African/African-American, 0.015%; no homozygotes.

Submission:

Labcorp Genetics (formerly Invitae), Labcorp
Classification: Uncertain significance for Cryopyrin associated periodic syndrome. Last evaluated: 2025-06-03. Review status: criteria provided, single submitter. Criteria: Invitae Variant Classification Sherloc (09022015). Collection method: clinical testing. Allele origin: germline.
Comment: This sequence change replaces proline, which is neutral and non-polar, with serine, which is neutral and polar, at codon 92 of the NLRP3 protein (p.Pro92Ser). This variant is not present in population databases (gnomAD no frequency). This variant has not been reported in the literature in individuals affected with NLRP3-related conditions. ClinVar contains an entry for this variant (Variation ID: 3629002). Invitae Evidence Modeling of protein sequence and biophysical properties (such as structural, functional, and spatial information, amino acid conservation, physicochemical variation, residue mobility, and thermodynamic stability) indicates that this missense variant is not expected to disrupt NLRP3 protein function with a negative predictive value of 95%. In summary, the available evidence is currently insufficient to determine the role of this variant in disease. Therefore, it has been classified as a Variant of Uncertain Significance.

NM_001243133.2(NLRP3):c.268C>T (p.Pro90Ser)

Gene: NLRP3 (NLR family pyrin domain containing 3; plus strand). Cytogenetic location: 1q44.
Variant type: single nucleotide variant.
Coding change: c.268C>T on transcript NM_001243133.2 (MANE Select); coding-DNA position 268, C replaced by T.
Protein change: p.Pro90Ser; replaces proline 90 with serine.
Molecular consequence: missense variant.
Genome position (GRCh38, 1-based): chr1:247,419,068, C>T. VCF-style: chr1-247419068-C-T. GRCh37 (hg19) VCF-style: chr1-247582370-C-T.
Other names: c.268C>T, p.Pro90Ser (NM_001079821.3, NM_001127461.3, NM_001127462.3 and 1 more transcripts); c.274C>T, p.Pro92Ser (NM_004895.5); short protein forms P90S, P92S.
Identifiers: ClinVar variation 3629002 (VCV003629002.2).